The following is an entry in ClinVar:

NM_000104.4(CYP1B1):c.653A>T (p.Asp218Val)

Gene: CYP1B1 (cytochrome P450 family 1 subfamily B member 1; minus strand). Cytogenetic location: 2p22.2.
Variant type: single nucleotide variant.
Coding change: c.653A>T on transcript NM_000104.4 (MANE Select); coding-DNA position 653, A replaced by T.
Protein change: p.Asp218Val; replaces aspartic acid 218 with valine.
Molecular consequence: missense variant.
Genome position (GRCh38, 1-based): chr2:38,074,736, T>A on the plus strand (A>T on the coding strand, the complement: CYP1B1 is on the minus strand). VCF-style: chr2-38074736-T-A. GRCh37 (hg19) VCF-style: chr2-38301879-T-A.
Other names: NM_000104.4:c.653A>T; short protein forms D218V.
Identifiers: ClinVar variation 798154 (VCV000798154.15), dbSNP rs72549383, ClinGen allele CA1619990.

ClinVar aggregate classification (germline): Uncertain significance. Review status: reviewed by expert panel (3 of 4 stars). 5 submissions from 4 submitters: Uncertain significance (1). 4 of the submissions do not count toward it. Last evaluated 2026-10-27.

Conditions:
Congenital glaucoma. Identifiers: MedGen C0020302, MONDO:0020366.
Glaucoma 3A. Also called: Glaucoma 3, primary congenital, A. Identifiers: Orphanet 98976, Orphanet 98977, MedGen C1856439, MONDO:0009277, OMIM 231300.
CYP1B1-related glaucoma with or without anterior segment dysgenesis. Identifiers: MedGen CN375931, MONDO:0800472.
Irido-corneo-trabecular dysgenesis (ASGD5). Also called: ANTERIOR SEGMENT DYSGENESIS 5. Identifiers: Orphanet 708, MedGen C0344559, MONDO:0011414, OMIM 604229, HP:0000659.

Allele frequency attached by ClinVar (database versions not stated): ExAC 0.00020; gnomAD exomes 0.00024 and 0.00011; gnomAD 0.00006; TOPMed 0.00014.

Submissions (5):

ClinGen Glaucoma Variant Curation Expert Panel
Classification: Uncertain significance for CYP1B1-related glaucoma with or without anterior segment dysgenesis. Last evaluated: 2026-10-27. Review status: reviewed by expert panel. Criteria: ClinGen Glaucoma ACMG Specifications CYP1B1 V2.0. Collection method: curation. Allele origin: germline. Inheritance: Autosomal recessive inheritance.
Comment: The c.653A>T variant in CYP1B1 is a missense variant predicted to cause substitution of Aspartic acid by Valine at amino acid 218 (p.Asp218Val). The highest minor allele frequency of this variant was in the Ashkenazi Jewish genetic ancestry group of gnomAD (v4.1) = 0.005472 (161 alleles out of 29,422), which did not meet the PM2_Supporting allele frequency threshold (≤ 0.0005) or the BS1 allele frequency threshold (≥ 0.01). The REVEL score = 0.832, which was within the 0.773-0.931 range for PP3_Moderate, predicting a damaging effect on CYP1B1 function. There was no functional evidence predicting a damaging or benign impact of this variant on CYP1B1 function. This variant has been identified in an individual in laboratory testing (ClinVar database), however no phenotypic or genotypic information was able to be obtained for PM3 to be assessed. In summary, this variant met the criteria to receive a score of 2 and to be classified as a variant of uncertain significance (uncertain significance classification range -1 to 5, adapted from PMID: 32720330) for CYP1B1-related glaucoma with or without anterior segment dysgenesis (ASD) based on the ACMG/AMP criteria met, as specified by the ClinGen Glaucoma VCEP (v2.0, 16.07.2026): PP3_Moderate

Labcorp Genetics (formerly Invitae), Labcorp
Classification: Likely benign for Congenital glaucoma. Last evaluated: 2026-01-24. Review status: criteria provided, single submitter. Criteria: Invitae Variant Classification Sherloc (09022015). Collection method: clinical testing. Allele origin: germline. Not counted in ClinVar's aggregate classification.

Blueprint Genetics
Classification: Uncertain significance. Last evaluated: 2024-11-22. Review status: criteria provided, single submitter. Criteria: ACMG Guidelines, 2015. Collection method: clinical testing. Allele origin: germline. Not counted in ClinVar's aggregate classification.

Illumina Laboratory Services, Illumina
Classification: Uncertain significance for Irido-corneo-trabecular dysgenesis. Last evaluated: 2017-04-28. Review status: criteria provided, single submitter. Criteria: ICSL Variant Classification Criteria 13 December 2019. Collection method: clinical testing. Allele origin: germline. Not counted in ClinVar's aggregate classification.

Illumina Laboratory Services, Illumina
Classification: Uncertain significance for Glaucoma 3A. Last evaluated: 2017-04-28. Review status: criteria provided, single submitter. Criteria: ICSL Variant Classification Criteria 13 December 2019. Collection method: clinical testing. Allele origin: germline. Not counted in ClinVar's aggregate classification.
Comment: This variant was observed as part of a predisposition screen in an ostensibly healthy population. A literature search was performed for the gene, cDNA change, and amino acid change (where applicable). Publications were found based on this search. However, the evidence from the literature, in combination with allele frequency data from public databases where available, was not sufficient to rule this variant in or out of causing disease. Therefore, this variant is classified as a variant of unknown significance.

Literature cited by the submitters: PubMed 25646030 (cited by Illumina Laboratory Services, Illumina).